The following is an entry in ClinVar:

NM_000350.3(ABCA4):c.3540del (p.Ser1181fs)

Gene: ABCA4 (ATP binding cassette subfamily A member 4; minus strand). Cytogenetic location: 1p22.1.
Variant type: Deletion.
Coding change: c.3540del on transcript NM_000350.3 (MANE Select); coding-DNA position 3540, one base deleted (G; older notation c.3540delG).
Protein change: p.Ser1181fs; shifts the reading frame from serine 1181.
Molecular consequence: frameshift variant.
Genome position (GRCh38, 1-based): chr1:94,040,110, C deleted on the plus strand (G on the coding strand, the reverse complement: ABCA4 is on the minus strand). VCF-style (leftmost placement, unchanged base first): chr1-94040109-AC-A. GRCh37 (hg19) VCF-style: chr1-94505665-AC-A.
Other names: c.3318delG, p.Ser1107Leufs (NM_001425324.1); short protein forms S1181fs.
Identifiers: ClinVar variation 1687258 (VCV001687258.1), dbSNP rs2101047075, ClinGen allele CA2573131998.

ClinVar aggregate classification (germline): Likely pathogenic (1 of 4 stars; one submission).

Conditions:
Severe early-childhood-onset retinal dystrophy (STGD1). Also called: Stargardt macular dystrophy; Juvenile onset macular degeneration; Stargardt disease 1; MACULAR DYSTROPHY WITH FLECKS, TYPE 1; STGD. Identifiers: Orphanet 364055, Orphanet 827, MedGen C1855465, MeSH D000080362, MONDO:0009549, OMIM 248200.

Submission:

3billion
Classification: Likely pathogenic for Severe early-childhood-onset retinal dystrophy. Last evaluated: 2022-05-22. Review status: criteria provided, single submitter. Criteria: ACMG Guidelines, 2015. Collection method: clinical testing. Allele origin: germline. Affected: yes. Observed: 1 heterozygote.
Comment: The variant is not observed in the gnomAD v2.1.1 dataset. Frameshift: predicted to result in a loss or disruption of normal protein function through nonsense-mediated decay (NMD) or protein truncation. Multiple pathogenic variants are reported downstream of the variant. Therefore, this variant is classified as likely pathogenic according to the recommendation of ACMG/AMP guideline.